The following is an entry in ClinVar:

NM_001363711.2(DUOX2):c.3410T>C (p.Leu1137Pro)

Gene: DUOX2 (dual oxidase 2; minus strand). Cytogenetic location: 15q21.1.
Variant type: single nucleotide variant.
Coding change: c.3410T>C on transcript NM_001363711.2 (MANE Select); coding-DNA position 3410, T replaced by C.
Protein change: p.Leu1137Pro; replaces leucine 1137 with proline.
Molecular consequence: missense variant.
Genome position (GRCh38, 1-based): chr15:45,099,667, A>G on the plus strand (T>C on the coding strand, the complement: DUOX2 is on the minus strand). VCF-style: chr15-45099667-A-G. GRCh37 (hg19) VCF-style: chr15-45391865-A-G.
Other names: c.3410T>C, p.Leu1137Pro (NM_014080.5); short protein forms L1137P.
Identifiers: ClinVar variation 1525245 (VCV001525245.8), dbSNP rs1894011717, ClinGen allele CA392259648.
Genomic context (GRCh38, chr15:45,099,667, plus strand): 5'-CCCAACTAGACCCAGGGTGCTGCAGCAAAGAGGAAGAAGCCTGGGAGTCACGTACTGGCC[A>G]GGACAACAGCAGCCATGGCGATCCAGCGGTGGAAGTCCACTGCGGCATCAAAAGGCACAT-3'
Protein context (NP_001350640.1, residues 1127-1147): HRWIAMAAVV[Leu1137Pro]AILHSAGHAV

ClinVar aggregate classification (germline): Uncertain significance (1 of 4 stars; one submission).

Allele frequency attached by ClinVar (database versions not stated): gnomAD 0.00001; TOPMed 0.00001.
gnomAD v4.1: 1 of 1,614,108 alleles (0.000062%); highest among the groups gnomAD compares: Non-Finnish European, 0.000085%; no homozygotes.

Submission:

Labcorp Genetics (formerly Invitae), Labcorp
Classification: Uncertain significance. Last evaluated: 2022-09-13. Review status: criteria provided, single submitter. Criteria: Invitae Variant Classification Sherloc (09022015). Collection method: clinical testing. Allele origin: germline.
Comment: In summary, the available evidence is currently insufficient to determine the role of this variant in disease. Therefore, it has been classified as a Variant of Uncertain Significance. Advanced modeling of protein sequence and biophysical properties (such as structural, functional, and spatial information, amino acid conservation, physicochemical variation, residue mobility, and thermodynamic stability) performed at Invitae indicates that this missense variant is expected to disrupt DUOX2 protein function. ClinVar contains an entry for this variant (Variation ID: 1525245). This variant has not been reported in the literature in individuals affected with DUOX2-related conditions. This variant is not present in population databases (gnomAD no frequency). This sequence change replaces leucine, which is neutral and non-polar, with proline, which is neutral and non-polar, at codon 1137 of the DUOX2 protein (p.Leu1137Pro).